The following is an entry in ClinVar:

ClinVar aggregate classification (germline): Uncertain significance (1 of 4 stars; one submission).

gnomAD v4.1: 3 of 1,613,522 alleles (0.00019%); highest among the groups gnomAD compares: Non-Finnish European, 0.00025%; no homozygotes.

Submission:

Labcorp Genetics (formerly Invitae), Labcorp
Classification: Uncertain significance. Last evaluated: 2024-11-08. Review status: criteria provided, single submitter. Criteria: Invitae Variant Classification Sherloc (09022015). Collection method: clinical testing. Allele origin: germline.
Comment: This sequence change replaces methionine, which is neutral and non-polar, with valine, which is neutral and non-polar, at codon 271 of the CDC6 protein (p.Met271Val). This variant is present in population databases (no rsID available, gnomAD 0.007%). This variant has not been reported in the literature in individuals affected with CDC6-related conditions. An algorithm developed to predict the effect of missense changes on protein structure and function (PolyPhen-2) suggests that this variant is likely to be tolerated. In summary, the available evidence is currently insufficient to determine the role of this variant in disease. Therefore, it has been classified as a Variant of Uncertain Significance.

NM_001254.4(CDC6):c.811A>G (p.Met271Val)

Gene: CDC6 (cell division cycle 6; plus strand). Cytogenetic location: 17q21.2.
Variant type: single nucleotide variant.
Coding change: c.811A>G on transcript NM_001254.4 (MANE Select); coding-DNA position 811, A replaced by G.
Protein change: p.Met271Val; replaces methionine 271 with valine.
Molecular consequence: missense variant.
Genome position (GRCh38, 1-based): chr17:40,293,606, A>G. VCF-style: chr17-40293606-A-G. GRCh37 (hg19) VCF-style: chr17-38449858-A-G.
Other names: short protein forms M271V.
Identifiers: ClinVar variation 3650258 (VCV003650258.2).